The following is an entry in ClinVar:

NM_007294.4(BRCA1):c.3278T>C (p.Val1093Ala)

Genes: BRCA1 (BRCA1 DNA repair associated; minus strand), LOC126862571 (BRD4-independent group 4 enhancer GRCh37_chr17:41243136-41244335; plus strand). Cytogenetic location: 17q21.31.
Variant type: single nucleotide variant.
Coding change: c.3278T>C on transcript NM_007294.4 (MANE Select); coding-DNA position 3278, T replaced by C.
Protein change: p.Val1093Ala; replaces valine 1093 with alanine.
Molecular consequence: missense variant. On other transcripts: intron variant (137).
Genome position (GRCh38, 1-based): chr17:43,092,253, A>G on the plus strand (T>C on the coding strand, the complement: BRCA1 is on the minus strand). VCF-style: chr17-43092253-A-G. GRCh37 (hg19) VCF-style: chr17-41244270-A-G.
Other names: c.3155T>C, p.Val1052Ala (NM_001407863.1, NM_001407919.1, NM_001407937.1 and 19 more transcripts); c.3074T>C, p.Val1025Ala (NM_001407874.1, NM_001407875.1); c.3068T>C, p.Val1023Ala (NM_001407879.1, NM_001407881.1, NM_001407882.1 and 13 more transcripts); c.3065T>C, p.Val1022Ala (NM_001407894.1, NM_001407895.1, NM_001407896.1 and 9 more transcripts); c.3014T>C, p.Val1005Ala (NM_001407920.1, NM_001407921.1, NM_001407922.1 and 9 more transcripts); c.3011T>C, p.Val1004Ala (NM_001407930.1, NM_001407931.1, NM_001407932.1 and 2 more transcripts); c.3152T>C, p.Val1051Ala (NM_001407940.1, NM_001407941.1, NM_001407649.1 and 11 more transcripts); c.3137T>C, p.Val1046Ala (NM_001407942.1, NM_001407944.1, NM_001407945.1 and 29 more transcripts); and 41 more; short protein forms V1004A, V1046A, V1066A, V797A, V925A, V981A, V1005A, V1022A.
Identifiers: ClinVar variation 1729684 (VCV001729684.4), dbSNP rs2154332233, ClinGen allele CA10595433.

ClinVar aggregate classification (germline): Conflicting classifications of pathogenicity. Review status: criteria provided, conflicting classifications (1 of 4 stars). 2 submissions from 2 submitters: Uncertain significance (1); Likely benign (1). Last evaluated 2023-03-23.

Conditions:
Hereditary cancer-predisposing syndrome. Also called: Neoplastic Syndromes, Hereditary; Tumor predisposition; Hereditary Cancer Syndrome; Hereditary neoplastic syndrome. Identifiers: Orphanet 140162, MedGen C0027672, MeSH D009386, MONDO:0015356.

Submissions (2):

University of Washington Department of Laboratory Medicine, University of Washington
Classification: Likely benign for Hereditary cancer-predisposing syndrome. Last evaluated: 2023-03-23. Review status: criteria provided, single submitter. Criteria: Dines et al. (Genet Med. 2020). Collection method: curation. Allele origin: germline.
Comment: Missense variant in a coldspot region where missense variants are very unlikely to be pathogenic (PMID:31911673).

BRCA1 coldspot (exon 11 using historical exon numbering). Reclassification based on statistical prior probability

Ambry Genetics
Classification: Uncertain significance for Hereditary cancer-predisposing syndrome. Last evaluated: 2020-07-31. Review status: criteria provided, single submitter. Criteria: Ambry Variant Classification Scheme 2023. Collection method: clinical testing. Allele origin: germline.
Comment: The p.V1093A variant (also known as c.3278T>C), located in coding exon 9 of the BRCA1 gene, results from a T to C substitution at nucleotide position 3278. The valine at codon 1093 is replaced by alanine, an amino acid with similar properties. This amino acid position is not well conserved in available vertebrate species. In addition, the in silico prediction for this alteration is inconclusive. Since supporting evidence is limited at this time, the clinical significance of this alteration remains unclear.